The following is an entry in ClinVar:

ClinVar aggregate classification (germline): Uncertain significance (1 of 4 stars; one submission).

Conditions:
Hepatic veno-occlusive disease-immunodeficiency syndrome. Also called: Hepatic Veno-Occlusive Disease with Immunodeficiency. Identifiers: Orphanet 79124, MedGen C1856128, MONDO:0009338, OMIM 235550. Disease mechanism: loss of function.

Allele frequency attached by ClinVar (database versions not stated): TOPMed 0.00001.
gnomAD v4.1: 8 of 1,613,738 alleles (0.0005%); highest among the groups gnomAD compares: Non-Finnish European, 0.00068%; no homozygotes.

Submission:

Labcorp Genetics (formerly Invitae), Labcorp
Classification: Uncertain significance for Hepatic veno-occlusive disease-immunodeficiency syndrome. Last evaluated: 2022-07-19. Review status: criteria provided, single submitter. Criteria: Invitae Variant Classification Sherloc (09022015). Collection method: clinical testing. Allele origin: germline.
Comment: This sequence change replaces serine, which is neutral and polar, with phenylalanine, which is neutral and non-polar, at codon 62 of the SP110 protein (p.Ser62Phe). This variant is present in population databases (rs202029779, gnomAD 0.0009%). This variant has not been reported in the literature in individuals affected with SP110-related conditions. ClinVar contains an entry for this variant (Variation ID: 851790). Algorithms developed to predict the effect of missense changes on protein structure and function are either unavailable or do not agree on the potential impact of this missense change (SIFT: "Deleterious"; PolyPhen-2: "Probably Damaging"; Align-GVGD: "Class C0"). In summary, the available evidence is currently insufficient to determine the role of this variant in disease. Therefore, it has been classified as a Variant of Uncertain Significance.

NM_080424.4(SP110):c.185C>T (p.Ser62Phe)

Genes: SP110 (SP110 nuclear body protein; minus strand), SP140 (SP140 nuclear body protein; plus strand). Cytogenetic location: 2q37.1.
Variant type: single nucleotide variant.
Coding change: c.185C>T on transcript NM_080424.4 (MANE Select); coding-DNA position 185, C replaced by T.
Protein change: p.Ser62Phe; replaces serine 62 with phenylalanine.
Molecular consequence: missense variant.
Genome position (GRCh38, 1-based): chr2:230,215,081, G>A on the plus strand (C>T on the coding strand, the complement: SP110 is on the minus strand). VCF-style: chr2-230215081-G-A. GRCh37 (hg19) VCF-style: chr2-231079796-G-A.
Other names: c.203C>T, p.Ser68Phe (NM_001185015.2, NM_001378442.1, NM_001378444.1 and 2 more transcripts); c.185C>T, p.Ser62Phe (NM_001378443.1, NM_001378447.1, NM_004509.5 and 1 more transcripts); short protein forms S68F, S62F.
Identifiers: ClinVar variation 851790 (VCV000851790.12), dbSNP rs202029779, ClinGen allele CA2154887.